The following is an entry in ClinVar:

NM_000218.3(KCNQ1):c.1898A>T (p.Glu633Val)

Genes: KCNQ1 (potassium voltage-gated channel subfamily Q member 1; plus strand), KCNQ1-AS1 (KCNQ1 antisense RNA 1; minus strand). Cytogenetic location: 11p15.4.
Variant type: single nucleotide variant.
Coding change: c.1898A>T on transcript NM_000218.3 (MANE Select); coding-DNA position 1898, A replaced by T.
Protein change: p.Glu633Val; replaces glutamic acid 633 with valine.
Molecular consequence: missense variant.
Genome position (GRCh38, 1-based): chr11:2,847,870, A>T. VCF-style: chr11-2847870-A-T. GRCh37 (hg19) VCF-style: chr11-2869100-A-T.
Other names: c.1802A>T, p.Glu601Val (NM_001406836.1); c.1628A>T, p.Glu543Val (NM_001406837.1); c.1358A>T, p.Glu453Val (NM_001406838.1); c.410A>T, p.Glu137Val (NM_001406839.1); c.1517A>T, p.Glu506Val (NM_181798.2); short protein forms E453V, E506V, E601V, E633V, E137V, E543V.
Identifiers: ClinVar variation 5023024 (VCV005023024.1).

ClinVar aggregate classification (germline): Uncertain significance (1 of 4 stars; one submission).

Conditions:
Cardiovascular phenotype. Identifiers: MedGen CN230736.

Submission:

Ambry Genetics
Classification: Uncertain significance for Cardiovascular phenotype. Last evaluated: 2026-07-07. Review status: criteria provided, single submitter. Criteria: Ambry Variant Classification Scheme 2023. Collection method: clinical testing. Allele origin: germline.
Comment: The p.E633V variant (also known as c.1898A>T), located in coding exon 16 of the KCNQ1 gene, results from an A to T substitution at nucleotide position 1898. The glutamic acid at codon 633 is replaced by valine, an amino acid with dissimilar properties. This amino acid position is conserved. In addition, the in silico prediction for this alteration is inconclusive. Based on the available evidence, the clinical significance of this variant remains unclear.